The following is an entry in ClinVar:

ClinVar aggregate classification (germline): Uncertain significance (1 of 4 stars; one submission).

Conditions:
Cardiovascular phenotype. Identifiers: MedGen CN230736.

gnomAD v4.1: 4 of 1,612,894 alleles (0.00025%); highest among the groups gnomAD compares: South Asian, 0.0044%; no homozygotes.

Submission:

Ambry Genetics
Classification: Uncertain significance for Cardiovascular phenotype. Last evaluated: 2025-08-03. Review status: criteria provided, single submitter. Criteria: Ambry Variant Classification Scheme 2023. Collection method: clinical testing. Allele origin: germline.
Comment: The p.L116V variant (also known as c.346C>G), located in coding exon 2 of the LMF1 gene, results from a C to G substitution at nucleotide position 346. The leucine at codon 116 is replaced by valine, an amino acid with highly similar properties. This amino acid position is conserved. In addition, this alteration is predicted to be tolerated by in silico analysis. Based on the available evidence, the clinical significance of this variant remains unclear.

NM_022773.4(LMF1):c.346C>G (p.Leu116Val)

Gene: LMF1 (lipase maturation factor 1; minus strand). Cytogenetic location: 16p13.3.
Variant type: single nucleotide variant.
Coding change: c.346C>G on transcript NM_022773.4 (MANE Select); coding-DNA position 346, C replaced by G.
Protein change: p.Leu116Val; replaces leucine 116 with valine.
Molecular consequence: missense variant. On other transcripts: 5 prime UTR variant (3), non-coding transcript variant (1).
Genome position (GRCh38, 1-based): chr16:954,514, G>C on the plus strand (C>G on the coding strand, the complement: LMF1 is on the minus strand). VCF-style: chr16-954514-G-C. GRCh37 (hg19) VCF-style: chr16-1004514-G-C.
Other names: c.-458C>G (NM_001352017.2); c.-209C>G (NM_001352018.2); c.19C>G, p.Leu7Val (NM_001352019.2); c.346C>G, p.Leu116Val (NM_001352020.1); c.-360C>G (NM_001352021.2); short protein forms L116V, L7V.
Identifiers: ClinVar variation 4098530 (VCV004098530.1).
Genomic context (GRCh38, chr16:954,514, plus strand): 5'-TGCCCAGTCCGAGAAGAGCCAGCAAGTCCAGGTTGGAGTTCATGTCTGACCAGTCCATCA[G>C]CCAGAGGATGGTGGGCATGTAGCTGAAGACTTCCCAGCTCGTCCTGTCCTGGAAGTACTG-3'
Protein context (NP_073610.2, residues 106-126): VFSYMPTILW[Leu116Val]MDWSDMNSNL